The following is an entry in ClinVar:

NM_001282680.3(GAPVD1):c.3515G>A (p.Arg1172His)

Gene: GAPVD1 (GTPase activating protein and VPS9 domains 1; plus strand). Cytogenetic location: 9q33.3.
Variant type: single nucleotide variant.
Coding change: c.3515G>A on transcript NM_001282680.3 (MANE Select); coding-DNA position 3515, G replaced by A.
Protein change: p.Arg1172His; replaces arginine 1172 with histidine.
Molecular consequence: missense variant. On other transcripts: non-coding transcript variant (2).
Genome position (GRCh38, 1-based): chr9:125,350,818, G>A. VCF-style: chr9-125350818-G-A. GRCh37 (hg19) VCF-style: chr9-128113097-G-A.
Other names: c.3569G>A, p.Arg1190His (NM_001282679.2); c.3452G>A, p.Arg1151His (NM_001282681.3, NM_001354297.2, NM_001354300.2); c.3371G>A, p.Arg1124His (NM_001330777.3, NM_001438414.1); c.3434G>A, p.Arg1145His (NM_001330778.3); c.3515G>A, p.Arg1172His (NM_001354294.2, NM_001354295.2, NM_001354296.2 and 3 more transcripts); c.3533G>A, p.Arg1178His (NM_001438415.1); c.3596G>A, p.Arg1199His (NM_015635.4); short protein forms R1124H, R1145H, R1151H, R1172H, R1178H, R1190H, R1199H.
Identifiers: ClinVar variation 4981395 (VCV004981395.1).

ClinVar aggregate classification (germline): Uncertain significance (1 of 4 stars; one submission).

Conditions:
GAPVD1-related disorder. Also called: GAPVD1-related condition.

gnomAD v4.1: 33 of 1,613,512 alleles (0.002%); highest among the groups gnomAD compares: Middle Eastern, 0.049%; 1 homozygote.

Submission:

PreventionGenetics, part of Exact Sciences
Classification: Uncertain significance for GAPVD1-related condition. Last evaluated: 2025-03-03. Review status: criteria provided, single submitter. Criteria: ACMG Guidelines, 2015. Collection method: clinical testing. Allele origin: germline.
Comment: The GAPVD1 c.3596G>A variant is predicted to result in the amino acid substitution p.Arg1199His. To our knowledge, this variant has not been reported in the literature. This variant is reported in 0.0056% of alleles in individuals of Latino descent in gnomAD. At this time, the clinical significance of this variant is uncertain due to the absence of conclusive functional and genetic evidence.